The following is an entry in ClinVar:

ClinVar aggregate classification (germline): Pathogenic (1 of 4 stars; one submission).

Conditions:
Tuberous sclerosis 2 (TSC2). Identifiers: Orphanet 805, MedGen C1860707, MONDO:0013199, OMIM 613254.

Submission:

Labcorp Genetics (formerly Invitae), Labcorp
Classification: Pathogenic for Tuberous sclerosis 2. Last evaluated: 2018-07-10. Review status: criteria provided, single submitter. Criteria: Invitae Variant Classification Sherloc (09022015). Collection method: clinical testing. Allele origin: germline.
Comment: A gross deletion of the genomic region encompassing the full coding sequence of the TSC2 gene has been identified. The boundaries of this event are unknown as the deletion extends beyond the assayed region for this gene and therefore may encompass additional genes. Loss-of-function variants in TSC2 are known to be pathogenic. This particular variant has been reported in the literature in individuals affected with tuberous sclerosis complex (PMID: 17287951, 16114042). For these reasons, this variant has been classified as Pathogenic.

Literature cited by the submitters: PubMed 17287951; PubMed 16114042.

NC_000016.10:g.(?_2048596)_(2119398_?)del

Genes: MIR1225 (microRNA 1225; minus strand), MIR6511B1 (microRNA 6511b-1; minus strand), PKD1 (polycystin 1, transient receptor potential channel interacting; minus strand), PKD1-AS1 (PKD1 antisense RNA 1; plus strand), TSC2 (TSC complex subunit 2; plus strand). Cytogenetic location: 16p13.3.
Variant type: Deletion.
Identifiers: ClinVar variation 646381 (VCV000646381.1).